The following is an entry in ClinVar:

ClinVar aggregate classification (germline): Uncertain significance (1 of 4 stars; one submission).

Conditions:
Neutropenia, severe congenital, 1, autosomal dominant. Identifiers: MedGen C1859966, MONDO:0042490, OMIM 202700.
Cyclical neutropenia. Also called: Cyclic Neutropenia; Cyclic hematopoiesis. Identifiers: Orphanet 2686, MedGen C0221023, MONDO:0008090, OMIM 162800, HP:0040289. Disease mechanism: loss of function.

Submission:

Labcorp Genetics (formerly Invitae), Labcorp
Classification: Uncertain significance for Neutropenia, severe congenital, 1, autosomal dominant; Cyclical neutropenia. Last evaluated: 2025-07-14. Review status: criteria provided, single submitter. Criteria: Invitae Variant Classification Sherloc (09022015). Collection method: clinical testing. Allele origin: germline.
Comment: This sequence change replaces proline, which is neutral and non-polar, with alanine, which is neutral and non-polar, at codon 229 of the ELANE protein (p.Pro229Ala). This variant is not present in population databases (gnomAD no frequency). This variant has not been reported in the literature in individuals affected with ELANE-related conditions. Invitae Evidence Modeling of protein sequence and biophysical properties (such as structural, functional, and spatial information, amino acid conservation, physicochemical variation, residue mobility, and thermodynamic stability) has been performed for this missense variant. However, the output from this modeling did not meet the statistical confidence thresholds required to predict the impact of this variant on ELANE protein function. In summary, the available evidence is currently insufficient to determine the role of this variant in disease. Therefore, it has been classified as a Variant of Uncertain Significance.

NM_001972.4(ELANE):c.685C>G (p.Pro229Ala)

Gene: ELANE (elastase, neutrophil expressed; plus strand). Cytogenetic location: 19p13.3.
Variant type: single nucleotide variant.
Coding change: c.685C>G on transcript NM_001972.4 (MANE Select); coding-DNA position 685, C replaced by G.
Protein change: p.Pro229Ala; replaces proline 229 with alanine.
Molecular consequence: missense variant.
Genome position (GRCh38, 1-based): chr19:856,045, C>G. VCF-style: chr19-856045-C-G. GRCh37 (hg19) VCF-style: chr19-856045-C-G.
Other names: short protein forms P229A.
Identifiers: ClinVar variation 4783766 (VCV004783766.1).